The following is an entry in ClinVar:

ClinVar aggregate classification (germline): Conflicting classifications of pathogenicity. Review status: criteria provided, conflicting classifications (1 of 4 stars). 2 submissions from 2 submitters: Likely pathogenic (1); Uncertain significance (1). Last evaluated 2022-06-22.

Conditions:
Hyper-IgM syndrome type 1. Also called: Hyper-IgM Immunodeficiency Syndrome, Type 1; CD40 Ligand Deficiency; X-linked hyper-IgM syndrome; Immunodeficiency, X-linked, with hyper-IgM. Identifiers: Orphanet 101088, MedGen C0398689, MONDO:0010626, OMIM 308230.

Submissions (2):

Laboratorio de Genetica e Diagnostico Molecular, Hospital Israelita Albert Einstein
Classification: Likely pathogenic for Hyper-IgM syndrome type 1. Last evaluated: 2022-06-22. Review status: criteria provided, single submitter. Criteria: ACMG Guidelines, 2015. Collection method: clinical testing. Allele origin: germline. Affected: yes. Observed: 1 variant allele.
Comment: ACMG classification criteria: PS4 supporting, PM1 moderated, PM2 moderated, PP3 supporting

Labcorp Genetics (formerly Invitae), Labcorp
Classification: Uncertain significance for Hyper-IgM syndrome type 1. Last evaluated: 2022-04-01. Review status: criteria provided, single submitter. Criteria: Invitae Variant Classification Sherloc (09022015). Collection method: clinical testing. Allele origin: germline.
Comment: This missense change has been observed in individual(s) with hyper IgM syndrome (PMID: 23653974). This variant is not present in population databases (gnomAD no frequency). This sequence change replaces glycine, which is neutral and non-polar, with aspartic acid, which is acidic and polar, at codon 252 of the CD40LG protein (p.Gly252Asp). Advanced modeling of protein sequence and biophysical properties (such as structural, functional, and spatial information, amino acid conservation, physicochemical variation, residue mobility, and thermodynamic stability) performed at Invitae indicates that this missense variant is expected to disrupt CD40LG protein function. In summary, the available evidence is currently insufficient to determine the role of this variant in disease. Therefore, it has been classified as a Variant of Uncertain Significance.

Literature cited by the submitters: PubMed 23653974 (cited by Labcorp Genetics (formerly Invitae), Labcorp).

NM_000074.3(CD40LG):c.755G>A (p.Gly252Asp)

Gene: CD40LG (CD40 ligand; plus strand). Cytogenetic location: Xq26.3.
Variant type: single nucleotide variant.
Coding change: c.755G>A on transcript NM_000074.3 (MANE Select); coding-DNA position 755, G replaced by A.
Protein change: p.Gly252Asp; replaces glycine 252 with aspartic acid.
Molecular consequence: missense variant.
Genome position (GRCh38, 1-based): chrX:136,659,384, G>A. VCF-style: chrX-136659384-G-A. GRCh37 (hg19) VCF-style: chrX-135741543-G-A.
Other names: short protein forms G252D.
Identifiers: ClinVar variation 2138733 (VCV002138733.5), dbSNP rs2522118643, ClinGen allele CA414757032.
Genomic context (GRCh38, chrX:136,659,384, plus strand): 5'-AACCAGGTGCTTCGGTGTTTGTCAATGTGACTGATCCAAGCCAAGTGAGCCATGGCACTG[G>A]CTTCACGTCCTTTGGCTTACTCAAACTCTGAACAGTGTCACCTTGCAGGCTGTGGTGGAG-3'
Protein context (NP_000065.1, residues 242-261): TDPSQVSHGT[Gly252Asp]FTSFGLLKL